The following is an entry in ClinVar:

ClinVar aggregate classification (germline): Benign. Review status: reviewed by expert panel (3 of 4 stars). 3 submissions from 3 submitters: Benign (1). 2 of the submissions do not count toward it. Last evaluated 2026-07-01.

Conditions:
Angelman syndrome (AS). Also called: HAPPY PUPPET SYNDROME. Identifiers: Orphanet 72, MedGen C0162635, MONDO:0007113, OMIM 105830. Disease mechanism: loss of function. Inheritance: AS is caused by disruption of maternally imprinted UBE3A located within the 15q11.2-q13 Angelman syndrome/Prader-Willi syndrome (AS/PWS) region., imprinting disorder.

gnomAD v4.1: 8 of 1,613,770 alleles (0.0005%); highest among the groups gnomAD compares: East Asian, 0.0022%; no homozygotes.

Submissions (3):

ClinGen Rett and Angelman-like Disorders Variant Curation Expert Panel
Classification: Benign for Angelman syndrome. Last evaluated: 2026-07-01. Review status: reviewed by expert panel. Criteria: ClinGen RettAS ACMG Specifications UBE3A V7.0. Collection method: curation. Allele origin: germline. Inheritance: Autosomal dominant inheritance.
Comment: The highest population minor allele frequency of the c.20+470T>C variant in UBE3A in gnomAD v4 is 0.000022 in East Asian population, which is higher than the ClinGen Rett and Angelman-like Disorders VCEP threshold (≥0.0000083) for BS1, and therefore meets this criterion (BS1). The c.20+470T>C variant is observed in at least 4 unaffected individuals (GeneDx internal database) (BS2). The c.20+470T>C variant in UBE3A has been reported in an individual with clinical features of Angelman syndrome but no additional criteria are applicable at this time (PMID: 40592404). In summary, the c.20+470T>C variant in UBE3A is classified as benign based on the ACMG/AMP criteria (BS1, BS2). (UBE3A Specifications v7.0.0; curation approved on 7/1/2026.)

Center of Human Genetics, Hôpital Erasme
Classification: Likely pathogenic for Angelman syndrome. Last evaluated: 2025-01-01. Review status: criteria provided, single submitter. Criteria: ACMG Guidelines, 2015. Collection method: clinical testing. Allele origin: inherited. Affected: yes. Not counted in ClinVar's aggregate classification.

GeneDx
Classification: Uncertain significance. Last evaluated: 2023-10-11. Review status: criteria provided, single submitter. Criteria: GeneDx Variant Classification Process June 2021. Collection method: clinical testing. Allele origin: germline. Affected: yes. Not counted in ClinVar's aggregate classification.
Comment: Not observed at significant frequency in large population cohorts (gnomAD); Has not been previously published as pathogenic or benign to our knowledge; Canonical splice site variant; however, the variant is present in an alternate transcript of the gene

NM_130839.5(UBE3A):c.20+470T>C

Genes: SNHG14 (small nucleolar RNA host gene 14; plus strand), UBE3A (ubiquitin protein ligase E3A; minus strand). Cytogenetic location: 15q11.2.
Variant type: single nucleotide variant.
Coding change: c.20+470T>C on transcript NM_130839.5 (MANE Select); 470 bases into the intron after coding-DNA position 20, T replaced by C.
Molecular consequence: intron variant. On other transcripts: 5 prime UTR variant (2), splice donor variant (6).
Genome position (GRCh38, 1-based): chr15:25,408,618, A>G on the plus strand (T>C on the coding strand, the complement: UBE3A is on the minus strand). VCF-style: chr15-25408618-A-G. GRCh37 (hg19) VCF-style: chr15-25653765-A-G.
Other names: c.-283T>C (NM_001354509.2); c.-1592T>C (NM_001374461.1); c.-116+29871T>C (NM_001354546.2); c.-40-3116T>C (NM_001354551.2, NM_001354549.2, NM_001354548.2 and 2 more transcripts); c.20+470T>C (NM_001354550.2, NM_001354545.2, NM_001354538.2 and 1 more transcripts); c.-154+470T>C (NM_001354523.2); c.-112+470T>C (NM_001354539.2); c.-187+470T>C (NM_001354511.2); and 8 more.
Identifiers: ClinVar variation 3341055 (VCV003341055.3).